The following is an entry in ClinVar:

NC_000002.11:g.(?_32288891)_(32341291_?)del

Gene: SPAST (spastin; plus strand). Cytogenetic location: 2p22.3.
Variant type: Deletion.
Identifiers: ClinVar variation 1070153 (VCV001070153.1).

ClinVar aggregate classification (germline): Pathogenic (1 of 4 stars; one submission).

Conditions:
Hereditary spastic paraplegia 4. Also called: Spastic paraplegia 4, autosomal dominant; Spastic Paraplegia 4; Familial spastic paraplegia autosomal dominant 2. Identifiers: Orphanet 100985, MedGen C1866855, MONDO:0008438, OMIM 182601.

Submission:

Labcorp Genetics (formerly Invitae), Labcorp
Classification: Pathogenic for Hereditary spastic paraplegia 4. Last evaluated: 2020-03-19. Review status: criteria provided, single submitter. Criteria: Invitae Variant Classification Sherloc (09022015). Collection method: clinical testing. Allele origin: germline.
Comment: This variant is a gross deletion of the genomic region encompassing exons 1-7 of the SPAST gene, which includes the initiator codon. The 5' end of this event is unknown as it extends beyond the assayed region for this gene and therefore may encompass additional genes. The 3' boundary is likely confined to intron 7 of the SPAST gene. This is expected to result in an absent or disrupted protein product. This variant has been reported in an individual affected with hereditary spastic paraplegia. It was also found in an unaffected relative, potentially representing a case of incomplete penetrance (PMID: 17035675). Loss-of-function variants in SPAST are known to be pathogenic (PMID: 20932283). For these reasons, this variant has been classified as Pathogenic.

Literature cited by the submitters: PubMed 17035675; PubMed 20932283.